The following is an entry in ClinVar:

ClinVar aggregate classification (germline): Uncertain significance (1 of 4 stars; one submission).

Submission:

GeneDx
Classification: Uncertain significance. Last evaluated: 2023-12-09. Review status: criteria provided, single submitter. Criteria: GeneDx Variant Classification Process June 2021. Collection method: clinical testing. Allele origin: germline. Affected: yes.
Comment: Not observed at significant frequency in large population cohorts (gnomAD); In silico analysis supports that this missense variant has a deleterious effect on protein structure/function; Has not been previously published as pathogenic or benign to our knowledge; This variant is associated with the following publications: (PMID: 20619386)

NM_005188.4(CBL):c.1292T>G (p.Val431Gly)

Gene: CBL (Cbl proto-oncogene; plus strand). Cytogenetic location: 11q23.3.
Variant type: single nucleotide variant.
Coding change: c.1292T>G on transcript NM_005188.4 (MANE Select); coding-DNA position 1292, T replaced by G.
Protein change: p.Val431Gly; replaces valine 431 with glycine.
Molecular consequence: missense variant.
Genome position (GRCh38, 1-based): chr11:119,278,574, T>G. VCF-style: chr11-119278574-T-G. GRCh37 (hg19) VCF-style: chr11-119149284-T-G.
Other names: short protein forms V431G.
Identifiers: ClinVar variation 3365118 (VCV003365118.1).